The following is an entry in ClinVar:

ClinVar aggregate classification (germline): Conflicting classifications of pathogenicity. Review status: criteria provided, conflicting classifications (1 of 4 stars). 14 submissions from 14 submitters: Uncertain significance (7); Likely benign (5). 2 of the submissions do not count toward it. Last evaluated 2026-05-13.

Conditions:
TTN-related disorder. Also called: TTN-related condition; TTN-related disease; TTN-related disorders.
Cardiovascular phenotype. Identifiers: MedGen CN230736.
Myopathy, myofibrillar, 9, with early respiratory failure (MFM9). Also called: Hereditary myopathy with early respiratory failure; EDSTROM MYOPATHY; MYOPATHY, PROXIMAL, WITH EARLY RESPIRATORY MUSCLE INVOLVEMENT; Myopathy, distal, with early respiratory failure, autosomal dominant. Identifiers: Orphanet 178464, Orphanet 34521, MedGen C1863599, MONDO:0011362, OMIM 603689.
Autosomal recessive limb-girdle muscular dystrophy type 2J (LGMDR10). Also called: Limb-girdle muscular dystrophy, type 2J; MUSCULAR DYSTROPHY, LIMB-GIRDLE, AUTOSOMAL RECESSIVE 10. Identifiers: Orphanet 140922, MedGen C1837342, MONDO:0012127, OMIM 608807.
Early-onset myopathy with fatal cardiomyopathy (CMYO5). Also called: Salih Myopathy; CONGENITAL MYOPATHY 5 WITH CARDIOMYOPATHY. Identifiers: Orphanet 289377, MedGen C2673677, MONDO:0012714, OMIM 611705. Disease mechanism: loss of function.
Hypertrophic cardiomyopathy 9. Also called: Familial hypertrophic cardiomyopathy 9. Identifiers: MedGen C1861065, MONDO:0013412, OMIM 613765.
Dilated cardiomyopathy 1G (CMD1G). Identifiers: Orphanet 154, MedGen C1858763, MONDO:0011400, OMIM 604145.
Tibial muscular dystrophy (TMD). Also called: Tibial muscular dystrophy, tardive; UDD MYOPATHY; Udd Distal Myopathy – Tibial Muscular Dystrophy. Identifiers: Orphanet 609, MedGen C1838244, MONDO:0010870, OMIM 600334.
Cardiomyopathy (CMYO). Also called: Cardiomyopathies. Identifiers: Orphanet 167848, MedGen C0878544, MONDO:0004994, HP:0001638. Inheritance: Various modes of inheritance.
Primary dilated cardiomyopathy (DCM). Also called: Dilated Cardiomyopathy. Identifiers: Orphanet 217604, MedGen C0007193, MeSH D002311, MONDO:0005021, HP:0001644. Inheritance: Various modes of inheritance.
Ventricular tachycardia. Identifiers: MedGen C0042514, MONDO:0005477, HP:0004756.

Allele frequency attached by ClinVar (database versions not stated): gnomAD 0.00001 and 0.00002; gnomAD exomes 0.00001 and 0.00006; ExAC 0.00003; TOPMed 0.00003; 1000 Genomes Project 30x 0.00016.
gnomAD v4.1: 37 of 1,613,250 alleles (0.0023%); highest among the groups gnomAD compares: East Asian, 0.04%; no homozygotes.

Submissions (14):

PreventionGenetics, part of Exact Sciences
Classification: Uncertain significance for TTN-related condition. Last evaluated: 2026-05-13. Review status: criteria provided, single submitter. Criteria: ACMG Guidelines, 2015. Collection method: clinical testing. Allele origin: germline.
Comment: The TTN c.74527A>G variant is predicted to result in the amino acid substitution p.Asn24843Asp. This variant has been reported in an individual with a personal and family history of dilated cardiomyopathy (reported as p.Asn22275Asp in Table S1, Pugh et al. 2014. PubMed ID: 24503780). This variant is reported in 0.088% of alleles in individuals of East Asian descent in gnomAD. Although we suspect that this variant may be benign, at this time, the clinical significance of this variant is uncertain due to the absence of conclusive functional and genetic evidence.

Mayo Clinic Laboratories, Mayo Clinic
Classification: Uncertain significance. Last evaluated: 2025-09-09. Review status: criteria provided, single submitter. Criteria: ACMG Guidelines, 2015. Collection method: clinical testing. Allele origin: germline. Observed: 1 variant allele.

Revvity Omics, Revvity
Classification: Uncertain significance. Last evaluated: 2024-07-05. Review status: criteria provided, single submitter. Criteria: ACMG Guidelines, 2015. Collection method: clinical testing. Allele origin: germline.

Department of Pathology and Laboratory Medicine, Sinai Health System
Classification: Uncertain significance for Tibial muscular dystrophy; Myopathy, myofibrillar, 9, with early respiratory failure; Dilated cardiomyopathy 1G; Autosomal recessive limb-girdle muscular dystrophy type 2J; Early-onset myopathy with fatal cardiomyopathy; Hypertrophic cardiomyopathy 9. Last evaluated: 2023-10-19. Review status: criteria provided, single submitter. Criteria: ACMG Guidelines, 2015. Collection method: research. Allele origin: germline.

CHEO Genetics Diagnostic Laboratory, Children's Hospital of Eastern Ontario
Classification: Likely benign for Cardiomyopathy. Last evaluated: 2023-02-24. Review status: criteria provided, single submitter. Criteria: ACMG Guidelines, 2015. Collection method: clinical testing. Allele origin: germline.

GeneDx
Classification: Likely benign. Last evaluated: 2021-01-26. Review status: criteria provided, single submitter. Criteria: GeneDx Variant Classification Process June 2021. Collection method: clinical testing. Allele origin: germline. Affected: yes.
Comment: This variant is associated with the following publications: (PMID: 24503780)

Ambry Genetics
Classification: Likely benign for Cardiovascular phenotype. Last evaluated: 2020-03-26. Review status: criteria provided, single submitter. Criteria: Ambry Variant Classification Scheme 2023. Collection method: clinical testing. Allele origin: germline.

Center for Advanced Laboratory Medicine, UC San Diego Health, University of California San Diego
Classification: Likely benign for Ventricular tachycardia. Last evaluated: 2019-04-01. Review status: criteria provided, single submitter. Criteria: ACMG Guidelines, 2015. Collection method: clinical testing. Allele origin: germline. Affected: yes. Observed: 2 variant alleles.

Labcorp Genetics (formerly Invitae), Labcorp
Classification: Uncertain significance for Dilated cardiomyopathy 1G; Autosomal recessive limb-girdle muscular dystrophy type 2J. Last evaluated: 2017-10-27. Review status: criteria provided, single submitter. Criteria: Invitae Variant Classification Sherloc (09022015). Collection method: clinical testing. Allele origin: germline.

Eurofins Ntd Llc (ga)
Classification: Uncertain significance. Last evaluated: 2014-11-23. Review status: criteria provided, single submitter. Criteria: EGL Classification Definitions 2015. Collection method: clinical testing. Allele origin: germline. Observed: 2 variant alleles, 2 heterozygotes.

Laboratory for Molecular Medicine, Mass General Brigham Personalized Medicine
Classification: Uncertain significance. Last evaluated: 2012-04-11. Review status: criteria provided, single submitter. Criteria: LMM Criteria. Collection method: clinical testing. Allele origin: germline. Observed: 1 variant allele.
Comment: The Asn22275Asp variant (TTN) has not been previously reported nor previously id entified by our laboratory. Computational analyses (biochemical amino acid prope rties, conservation, AlignGVGD, and SIFT) do not provide strong support for or a gainst an impact to the protein. Additional information is needed to assess the clinical significance of this variant.

Genetics and Genomics Program, Sidra Medicine
Classification: Likely benign for Primary dilated cardiomyopathy. Review status: criteria provided, single submitter. Criteria: ACMG Guidelines, 2015. Collection method: research. Allele origin: unknown. Affected: yes. Observed: 1 variant allele.

Clinical Genetics, Academic Medical Center
Classification: Uncertain significance. Review status: no assertion criteria provided. Collection method: clinical testing. Allele origin: germline. Affected: yes. Study: VKGL Data-share Consensus. Not counted in ClinVar's aggregate classification.

Genome Diagnostics Laboratory, Amsterdam University Medical Center
Classification: Uncertain significance. Review status: no assertion criteria provided. Collection method: clinical testing. Allele origin: germline. Affected: yes. Study: VKGL Data-share Consensus. Not counted in ClinVar's aggregate classification.

Literature cited by the submitters: PubMed 24503780 (cited by Ambry Genetics).

NM_001267550.2(TTN):c.74527A>G (p.Asn24843Asp)

Genes: TTN (titin; minus strand), TTN-AS1 (TTN antisense RNA 1; plus strand). Cytogenetic location: 2q31.2.
Variant type: single nucleotide variant.
Coding change: c.74527A>G on transcript NM_001267550.2 (MANE Select); coding-DNA position 74527, A replaced by G.
Protein change: p.Asn24843Asp; replaces asparagine 24843 with aspartic acid.
Molecular consequence: missense variant.
Genome position (GRCh38, 1-based): chr2:178,571,605, T>C on the plus strand (A>G on the coding strand, the complement: TTN is on the minus strand). VCF-style: chr2-178571605-T-C. GRCh37 (hg19) VCF-style: chr2-179436332-T-C.
Other names: p.N23202D:AAT>GAT; p.Asn23202Asp; c.69604A>G, p.Asn23202Asp (NM_001256850.1); c.47332A>G, p.Asn15778Asp (NM_003319.4); c.66823A>G, p.Asn22275Asp (NM_133378.4); c.47707A>G, p.Asn15903Asp (NM_133432.3); c.47908A>G, p.Asn15970Asp (NM_133437.4); short protein forms N24843D, N22275D, N23202D, N15778D, N15970D, N15903D.
Identifiers: ClinVar variation 47328 (VCV000047328.28), dbSNP rs373527654, ClinGen allele CA140696.
Genomic context (GRCh38, chr2:178,571,605, plus strand): 5'-CTGTAGCTGATACAATTTGCCAGGTGGTTGTGGAAGTGTCCCGTTTCTCAACAATGTAAT[T>C]ATTGATAGAACTTCCACCATCATACTTGGGTGGGCCCCAGGAAAGAGTAATACTATCAGC-3'
Protein context (NP_001254479.2, residues 24833-24853): PKYDGGSSIN[Asn24843Asp]YIVEKRDTST